The following is an entry in ClinVar:

NM_004408.4(DNM1):c.1786G>A (p.Val596Ile)

Gene: DNM1 (dynamin 1; plus strand). Cytogenetic location: 9q34.11.
Variant type: single nucleotide variant.
Coding change: c.1786G>A on transcript NM_004408.4 (MANE Select); coding-DNA position 1786, G replaced by A.
Protein change: p.Val596Ile; replaces valine 596 with isoleucine.
Molecular consequence: missense variant.
Genome position (GRCh38, 1-based): chr9:128,247,379, G>A. VCF-style: chr9-128247379-G-A. GRCh37 (hg19) VCF-style: chr9-131009658-G-A.
Other names: c.1786G>A, p.Val596Ile (NM_001005336.3, NM_001288737.2, NM_001288738.2 and 1 more transcripts); short protein forms V596I.
Identifiers: ClinVar variation 651373 (VCV000651373.9), dbSNP rs1588449769, ClinGen allele CA375027838.

ClinVar aggregate classification (germline): Uncertain significance (1 of 4 stars; one submission).

Conditions:
Developmental and epileptic encephalopathy, 31A. Also called: Epileptic encephalopathy, early infantile, 31; Developmental and epileptic encephalopathy, 31. Identifiers: Orphanet 2382, MedGen C4225357, MONDO:0014598, OMIM 616346.

Allele frequency attached by ClinVar (database versions not stated): gnomAD exomes below 0.00001.

Submission:

Labcorp Genetics (formerly Invitae), Labcorp
Classification: Uncertain significance for Developmental and epileptic encephalopathy, 31A. Last evaluated: 2024-01-30. Review status: criteria provided, single submitter. Criteria: Invitae Variant Classification Sherloc (09022015). Collection method: clinical testing. Allele origin: germline.
Comment: This sequence change replaces valine, which is neutral and non-polar, with isoleucine, which is neutral and non-polar, at codon 596 of the DNM1 protein (p.Val596Ile). This variant is not present in population databases (gnomAD no frequency). This variant has not been reported in the literature in individuals affected with DNM1-related conditions. ClinVar contains an entry for this variant (Variation ID: 651373). Advanced modeling of protein sequence and biophysical properties (such as structural, functional, and spatial information, amino acid conservation, physicochemical variation, residue mobility, and thermodynamic stability) performed at Invitae indicates that this missense variant is not expected to disrupt DNM1 protein function with a negative predictive value of 80%. In summary, the available evidence is currently insufficient to determine the role of this variant in disease. Therefore, it has been classified as a Variant of Uncertain Significance.